The following is an entry in ClinVar:

ClinVar aggregate classification (germline): Conflicting classifications of pathogenicity. Review status: criteria provided, conflicting classifications (1 of 4 stars). 9 submissions from 9 submitters: Pathogenic (3); Likely pathogenic (4); Uncertain significance (2). Last evaluated 2025-09-20.

Conditions:
SEC23B-related disorder. Also called: SEC23B-related condition; SEC23B-related disorders.
Congenital dyserythropoietic anemia, type II (CDAN2). Also called: DYSERYTHROPOIETIC ANEMIA, HEMPAS TYPE. Identifiers: Orphanet 98873, MedGen C1306589, MONDO:0009134, OMIM 224100.
Cowden syndrome 7 (CWS7). Identifiers: Orphanet 201, MedGen C4225179, MONDO:0014802, OMIM 616858.

Allele frequency attached by ClinVar (database versions not stated): gnomAD exomes 0.00001 and 0.00003; TOPMed below 0.00001; gnomAD 0.00001; ExAC 0.00004.
gnomAD v4.1: 19 of 1,613,744 alleles (0.0012%); highest among the groups gnomAD compares: South Asian, 0.016%; no homozygotes.

Submissions (9):

Labcorp Genetics (formerly Invitae), Labcorp
Classification: Pathogenic for Congenital dyserythropoietic anemia, type II; Cowden syndrome 7. Last evaluated: 2025-09-20. Review status: criteria provided, single submitter. Criteria: Invitae Variant Classification Sherloc (09022015). Collection method: clinical testing. Allele origin: germline.
Comment: This sequence change replaces tyrosine, which is neutral and polar, with cysteine, which is neutral and slightly polar, at codon 462 of the SEC23B protein (p.Tyr462Cys). This variant is present in population databases (rs780978419, gnomAD 0.02%). This missense change has been observed in individual(s) with congenital dyserythropoietic anemia type II (PMID: 19561605, 24801240, 25044164, 25418799, 28879554, 37455305). ClinVar contains an entry for this variant (Variation ID: 1325043). Invitae Evidence Modeling of protein sequence and biophysical properties (such as structural, functional, and spatial information, amino acid conservation, physicochemical variation, residue mobility, and thermodynamic stability) indicates that this missense variant is expected to disrupt SEC23B protein function with a positive predictive value of 95%. For these reasons, this variant has been classified as Pathogenic.

PreventionGenetics, part of Exact Sciences
Classification: Pathogenic for SEC23B-related condition. Last evaluated: 2025-07-01. Review status: criteria provided, single submitter. Criteria: ACMG Guidelines, 2015. Collection method: clinical testing. Allele origin: germline.
Comment: The SEC23B c.1385A>G variant is predicted to result in the amino acid substitution p.Tyr462Cys. This variant variant has been reported in the homozygous state in individuals with congenital dyserythropoietic anemia type II (Sharma et al. 2015. PubMed ID: 24801240; Schwarz et al. 2009. PubMed ID: 19561605; Kedar et al. 2017. PubMed ID: 28879554). This variant is reported in 0.023% of alleles in individuals of South Asian descent in gnomAD. This variant is interpreted as pathogenic.

Women's Health and Genetics/Laboratory Corporation of America, LabCorp
Classification: Likely pathogenic for Congenital dyserythropoietic anemia, type II. Last evaluated: 2024-05-02. Review status: criteria provided, single submitter. Criteria: LabCorp Variant Classification Summary - May 2015. Collection method: clinical testing. Allele origin: germline.
Comment: Variant summary: SEC23B c.1385A>G (p.Tyr462Cys) results in a non-conservative amino acid change located in the Sec23/Sec24 beta-sandwich domain (IPR012990) of the encoded protein sequence. Four of five in-silico tools predict a damaging effect of the variant on protein function. The variant allele was found at a frequency of 2.8e-05 in 251458 control chromosomes. c.1385A>G has been reported in the literature as a founder variant in a homozygous genotype in multiple individuals affected with Congenital dyserythropoietic anemia, type II (example, Iolascon_2010, Saptarshi_2023, Schwarz_2009, Sharma_2015). These data indicate that the variant is very likely to be associated with disease. To our knowledge, no experimental evidence demonstrating an impact on protein function has been reported. ClinVar contains an entry for this variant (Variation ID: 1325043). Based on the evidence outlined above, the variant was classified as likely pathogenic.

Fulgent Genetics
Classification: Likely pathogenic for Congenital dyserythropoietic anemia, type II; Cowden syndrome 7. Last evaluated: 2024-05-01. Review status: criteria provided, single submitter. Criteria: ACMG Guidelines, 2015. Collection method: clinical testing. Allele origin: germline.

CeGaT Center for Human Genetics Tuebingen
Classification: Uncertain significance. Last evaluated: 2023-10-01. Review status: criteria provided, single submitter. Criteria: CeGaT Center For Human Genetics Tuebingen Variant Classification Criteria Version 2. Collection method: clinical testing. Allele origin: germline. Affected: yes. Observed: 1 variant allele.
Comment: SEC23B: PM2, PP3

Blueprint Genetics
Classification: Pathogenic for SEC23B-related disorders. Last evaluated: 2023-09-27. Review status: criteria provided, single submitter. Criteria: ACMG Guidelines, 2015. Collection method: clinical testing. Allele origin: germline. Affected: yes. Observed: 4 variant alleles.

3billion
Classification: Uncertain significance for Congenital dyserythropoietic anemia, type II. Last evaluated: 2022-03-22. Review status: criteria provided, single submitter. Criteria: ACMG Guidelines, 2015. Collection method: clinical testing. Allele origin: germline. Affected: yes. Observed: 1 homozygote.
Comment: Same or different nucleotide change resulting in same amino acid change has been previously reported to be associated with SEC23B related disorder ( PMID:19561605). The variant is observed at an extremely low frequency in the gnomAD v2.1.1 dataset (total allele frequency: 0.0000278 ). In silico tool predictions suggest damaging effect of the variant on gene or gene product (REVEL: 0.81>=0.6, 3CNET: 0.831>=0.75). Therefore, this variant is classified as uncertain significance according to the recommendation of ACMG/AMP guideline.

Revvity Omics, Revvity
Classification: Likely pathogenic. Last evaluated: 2021-10-09. Review status: criteria provided, single submitter. Criteria: ACMG Guidelines, 2015. Collection method: clinical testing. Allele origin: germline.

Neuberg Centre For Genomic Medicine, NCGM
Classification: Likely pathogenic for Congenital dyserythropoietic anemia, type II. Review status: criteria provided, single submitter. Criteria: ACMG Guidelines, 2015. Collection method: clinical testing. Allele origin: germline. Affected: yes.
Comment: The missense variant p.Y462C in SEC23B (NM_006363.6) has previously been reported in patients in homozygous state affected with congenital dyserythropoietic anemia type II (Prasanth et al). There is a large physicochemical difference between tyrosine and cysteine, which is likely to impact secondary protein structure as these residues differ in polarity, charge, size and/or other properties. The p.Y462C missense variant is predicted to be damaging by both SIFT and PolyPhen2. The tyrosine residue at codon 462 of SEC23B is conserved in all mammalian species. The nucleotide c.1385 in SEC23B is predicted conserved by GERP++ and PhyloP across 100 vertebrates. For these reasons, this variant has been classified as Likely Pathogenic.

Literature cited by the submitters: PubMed 19561605 (cited by 3 submitters); PubMed 24801240 (cited by Labcorp Genetics (formerly Invitae), Labcorp and Women's Health and Genetics/Laboratory Corporation of America, LabCorp); PubMed 25044164 (cited by Labcorp Genetics (formerly Invitae), Labcorp); PubMed 25418799 (cited by Labcorp Genetics (formerly Invitae), Labcorp); PubMed 28879554 (cited by Labcorp Genetics (formerly Invitae), Labcorp); PubMed 37455305 (cited by Labcorp Genetics (formerly Invitae), Labcorp and Women's Health and Genetics/Laboratory Corporation of America, LabCorp); PubMed 20015893 (cited by Women's Health and Genetics/Laboratory Corporation of America, LabCorp).

NM_006363.6(SEC23B):c.1385A>G (p.Tyr462Cys)

Gene: SEC23B (SEC23 homolog B, COPII component; plus strand). Cytogenetic location: 20p11.23.
Variant type: single nucleotide variant.
Coding change: c.1385A>G on transcript NM_006363.6 (MANE Select); coding-DNA position 1385, A replaced by G.
Protein change: p.Tyr462Cys; replaces tyrosine 462 with cysteine.
Molecular consequence: missense variant.
Genome position (GRCh38, 1-based): chr20:18,535,723, A>G. VCF-style: chr20-18535723-A-G. GRCh37 (hg19) VCF-style: chr20-18516367-A-G.
Other names: c.1385A>G (NM_006363.4); c.[1385A>G] (NM_006363.4); c.1385A>G, p.Tyr462Cys (NM_001172745.3, NM_032985.6, NM_032986.5); c.1331A>G, p.Tyr444Cys (NM_001172746.3); short protein forms Y444C, Y462C.
Identifiers: ClinVar variation 1325043 (VCV001325043.38), dbSNP rs780978419, ClinGen allele CA9778333.